The following is an entry in ClinVar:

ClinVar aggregate classification (germline): Likely benign (0 of 4 stars; one submission).

Conditions:
NRP1-related disorder. Also called: NRP1-related condition.

Allele frequency attached by ClinVar (database versions not stated): gnomAD 0.00001; ExAC 0.00002; TOPMed 0.00002.
gnomAD v4.1: 49 of 1,613,930 alleles (0.003%); highest among the groups gnomAD compares: African/African-American, 0.0053%; no homozygotes.

Submission:

PreventionGenetics, part of Exact Sciences
Classification: Likely benign for NRP1-related condition. Last evaluated: 2021-11-04. Review status: no assertion criteria provided. Collection method: clinical testing. Allele origin: germline.
Comment: This variant is classified as likely benign based on ACMG/AMP sequence variant interpretation guidelines (Richards et al. 2015 PMID: 25741868, with internal and published modifications).

NM_003873.7(NRP1):c.1029C>T (p.Gly343=)

Gene: NRP1 (neuropilin 1; minus strand). Cytogenetic location: 10p11.22.
Variant type: single nucleotide variant.
Coding change: c.1029C>T on transcript NM_003873.7 (MANE Select); coding-DNA position 1029, C replaced by T.
Protein change: p.Gly343=; no amino-acid change (glycine 343 retained).
Molecular consequence: synonymous variant. On other transcripts: non-coding transcript variant (1).
Genome position (GRCh38, 1-based): chr10:33,226,242, G>A on the plus strand (C>T on the coding strand, the complement: NRP1 is on the minus strand). VCF-style: chr10-33226242-G-A. GRCh37 (hg19) VCF-style: chr10-33515170-G-A.
Other names: c.1029C>T, p.Gly343= (NM_001024628.3, NM_001024629.3, NM_001244972.2 and 2 more transcripts).
Identifiers: ClinVar variation 3048159 (VCV003048159.2), dbSNP rs774692891, ClinGen allele CA5466754.